The following is an entry in ClinVar:

NM_001288705.3(CSF1R):c.2381T>C (p.Ile794Thr)

Gene: CSF1R (colony stimulating factor 1 receptor; minus strand). Cytogenetic location: 5q32.
Variant type: single nucleotide variant.
Coding change: c.2381T>C on transcript NM_001288705.3 (MANE Select); coding-DNA position 2381, T replaced by C.
Protein change: p.Ile794Thr; replaces isoleucine 794 with threonine.
Molecular consequence: missense variant. On other transcripts: non-coding transcript variant (2).
Genome position (GRCh38, 1-based): chr5:150,056,280, A>G on the plus strand (T>C on the coding strand, the complement: CSF1R is on the minus strand). VCF-style: chr5-150056280-A-G. GRCh37 (hg19) VCF-style: chr5-149435843-A-G.
Other names: c.2381T>C, p.Ile794Thr (NM_001349736.2, NM_001375320.1, NM_005211.4); c.1937T>C, p.Ile646Thr (NM_001375321.1); short protein forms I794T, I646T.
Identifiers: ClinVar variation 29813 (VCV000029813.55), dbSNP rs281860274, ClinGen allele CA342709.

ClinVar aggregate classification (germline): Pathogenic/Likely pathogenic. Review status: criteria provided, multiple submitters, no conflicts (2 of 4 stars). 10 submissions from 10 submitters: Pathogenic (6); Likely pathogenic (1). 3 of the submissions do not count toward it. Last evaluated 2026-01-26.

Conditions:
CSF1R-related disorder. Also called: CSF1R-related condition. Identifiers: MedGen CN379780, MONDO:0100632.
Leukoencephalopathy, diffuse hereditary, with spheroids 1 (HDLS1). Also called: CSF1R-related adult-onset leukoencephalopathy with axonal spheroids and pigmented glia; DEMENTIA, FAMILIAL, NEUMANN TYPE; SUBCORTICAL GLIOSIS OF NEUMANN. Identifiers: Orphanet 313808, MedGen C5561929, MONDO:0800027, OMIM 221820.
Hereditary diffuse leukoencephalopathy with spheroids. Also called: LEUKOENCEPHALOPATHY, ADULT-ONSET, WITH AXONAL SPHEROIDS AND PIGMENTED GLIA. Identifiers: Orphanet 313808, MedGen C3711381, MONDO:0030796.

Allele frequency attached by ClinVar (database versions not stated): gnomAD exomes below 0.00001; ExAC 0.00001.
gnomAD v4.1: 1 of 1,614,072 alleles (0.000062%); highest among the groups gnomAD compares: Non-Finnish European, 0.000085%; no homozygotes.

Submissions (10):

Medical and Scientific Branch, Hong Kong Genome Institute
Classification: Pathogenic for Leukoencephalopathy, diffuse hereditary, with spheroids 1. Last evaluated: 2026-01-26. Review status: criteria provided, single submitter. Criteria: ACMG Guidelines, 2015. Collection method: clinical testing. Allele origin: unknown. Affected: yes.

GeneDx
Classification: Pathogenic. Last evaluated: 2025-07-13. Review status: criteria provided, single submitter. Criteria: GeneDx Variant Classification Process June 2021. Collection method: clinical testing. Allele origin: germline. Affected: yes.
Comment: Not observed at significant frequency in large population cohorts (gnomAD); In silico analysis supports that this missense variant has a deleterious effect on protein structure/function; This variant is associated with the following publications: (PMID: 36207627, 22934315, 24930661, 25390884, 22197934, 24120500, 23698128, 24198292, 24145216, 24336230, 28059798, 30136118, 32430064, 31827782, 35119108, 28334938, 30968732, 31885218, 31705326, 31069529, 35980505, 36380532, 37547187, 26141177, 34422984, 34541732, 35532660)

Labcorp Genetics (formerly Invitae), Labcorp
Classification: Pathogenic. Last evaluated: 2025-05-17. Review status: criteria provided, single submitter. Criteria: Invitae Variant Classification Sherloc (09022015). Collection method: clinical testing. Allele origin: germline.
Comment: This sequence change replaces isoleucine, which is neutral and non-polar, with threonine, which is neutral and polar, at codon 794 of the CSF1R protein (p.Ile794Thr). This variant is present in population databases (rs281860274, gnomAD 0.0009%). This missense change has been observed in individual(s) with autosomal dominant hereditary diffuse leukoencephalopathy with spheroids (PMID: 22197934, 23698128, 24198292, 26141177). In at least one individual the variant was observed to be de novo. ClinVar contains an entry for this variant (Variation ID: 29813). Invitae Evidence Modeling of protein sequence and biophysical properties (such as structural, functional, and spatial information, amino acid conservation, physicochemical variation, residue mobility, and thermodynamic stability) has been performed for this missense variant. However, the output from this modeling did not meet the statistical confidence thresholds required to predict the impact of this variant on CSF1R protein function. For these reasons, this variant has been classified as Pathogenic.

CeGaT Center for Human Genetics Tuebingen
Classification: Pathogenic. Last evaluated: 2025-05-01. Review status: criteria provided, single submitter. Criteria: CeGaT Center For Human Genetics Tuebingen Variant Classification Criteria Version 2. Collection method: clinical testing. Allele origin: germline. Affected: yes. Observed: 6 variant alleles.
Comment: CSF1R: PP1:Strong, PS4, PM1, PM2, PP2, PP3, PS3:Supporting

Molecular Diagnostics Laboratory, M Health Fairview: University of Minnesota
Classification: Likely pathogenic for Leukoencephalopathy, diffuse hereditary, with spheroids 1. Last evaluated: 2021-06-01. Review status: criteria provided, single submitter. Criteria: ACMG Guidelines, 2015. Collection method: clinical testing. Allele origin: germline. Affected: yes.

Institute of Medical Genetics and Applied Genomics, University Hospital Tübingen
Classification: Pathogenic. Last evaluated: 2020-10-23. Review status: criteria provided, single submitter. Criteria: ACMG Guidelines, 2015. Collection method: clinical testing. Allele origin: germline. Inheritance: Unknown mechanism. Affected: yes.

Juno Genomics, Hangzhou Juno Genomics, Inc
Classification: Pathogenic for Leukoencephalopathy, diffuse hereditary, with spheroids 1. Review status: criteria provided, single submitter. Criteria: ACMG Guidelines, 2015. Collection method: clinical testing. Allele origin: germline. Affected: yes.
Comment: Absent from controls (or at extremely low frequency if recessive) in Genome Aggregation Database, Exome Sequencing Project, 1000 Genomes Project, or Exome Aggregation Consortium.;Multiple lines of computational evidence support a deleterious effect on the gene or gene product (conservation, evolutionary, splicing impact, etc).;The prevalence of the variant in affected individuals is significantly increased compared to the prevalence in controls.;Patient's phenotype or family history is highly specific for a disease with a single genetic etiology.

PreventionGenetics, part of Exact Sciences
Classification: Pathogenic for CSF1R-related condition. Last evaluated: 2024-02-10. Review status: no assertion criteria provided. Collection method: clinical testing. Allele origin: germline. Not counted in ClinVar's aggregate classification.
Comment: The CSF1R c.2381T>C variant is predicted to result in the amino acid substitution p.Ile794Thr. This variant has been reported in multiple unrelated patients with diffuse hereditary leukoencephalopathy with spheroids (Rademakers et al. 2011. PubMed ID: 22197934; Hiyoshi et al. 2013. PubMed ID: 24120500; Karle et al. 2013. PubMed ID: 24198292; Lynch et al. 2017. PubMed ID: 28334938). This variant is reported in 0.00088% of alleles in individuals of European (Non-Finnish) descent in gnomAD and has been classified as pathogenic/likely pathogenic in ClinVar. This variant is interpreted as pathogenic.

OMIM
Classification: Pathogenic for LEUKOENCEPHALOPATHY, HEREDITARY DIFFUSE, WITH SPHEROIDS. Last evaluated: 2014-01-14. Review status: no assertion criteria provided. Collection method: literature only. Allele origin: germline. Not counted in ClinVar's aggregate classification.

Department of Neurology, Affiliated Hospital of Shandong Second Medical University
Classification: Likely pathogenic for Hereditary diffuse leukoencephalopathy with spheroids. Review status: no assertion criteria provided. Collection method: clinical testing. Allele origin: germline. Inheritance: Autosomal dominant inheritance. Affected: yes. Not counted in ClinVar's aggregate classification.
Comment: PM2_P: The frequency of this variant in the gnomAD database is 0. PP3: Bioinformatics tools predict that this variant may affect the function or structure of the encoded protein, with a REVEL score of 0.967. PS4_M, PP1_S: This variant has been reported in multiple clinical cases of Hereditary Diffuse Leukoencephalopathy with Neuroaxonal Spheroids. The clinical manifestations primarily include progressive cognitive and motor decline. This includes multiple affected individuals from two large families, supporting cosegregation with the disease (PMID: 22197934, 24198292, 26141177, 24336230). ACMG Classification: According to the relevant ACMG guidelines (PMID: 25741868, 31690835, 34906464), the clinical significance of variants is categorized into five classes: Pathogenic (P), Likely Pathogenic (LP), Variant of Uncertain Significance (VUS), Likely Benign (LB), and Benign (B). This report primarily includes the first three categories (P, LP, and VUS) and does not list Likely Benign or Benign variants.

Literature cited by the submitters: PubMed 22197934 (cited by 3 submitters); PubMed 23698128 (cited by Labcorp Genetics (formerly Invitae), Labcorp); PubMed 24198292 (cited by Labcorp Genetics (formerly Invitae), Labcorp and Department of Neurology, Affiliated Hospital of Shandong Second Medical University); PubMed 26141177 (cited by Labcorp Genetics (formerly Invitae), Labcorp and Department of Neurology, Affiliated Hospital of Shandong Second Medical University); PubMed 24336230 (cited by OMIM and Department of Neurology, Affiliated Hospital of Shandong Second Medical University).